The following is an entry in ClinVar:

NM_000313.4(PROS1):c.849+1G>C

Gene: PROS1 (protein S; minus strand). Cytogenetic location: 3q11.1.
Variant type: single nucleotide variant.
Coding change: c.849+1G>C on transcript NM_000313.4 (MANE Select); the canonical splice donor site of the intron after coding-DNA position 849, G replaced by C.
Molecular consequence: splice donor variant.
Genome position (GRCh38, 1-based): chr3:93,898,447, C>G on the plus strand (G>C on the coding strand, the complement: PROS1 is on the minus strand). VCF-style: chr3-93898447-C-G. GRCh37 (hg19) VCF-style: chr3-93617291-C-G.
Other names: p.?; c.945+1G>C (NM_001314077.2).
Identifiers: ClinVar variation 2683796 (VCV002683796.1), dbSNP rs2472132177, ClinGen allele CA353672765.

ClinVar aggregate classification (germline): Likely pathogenic (1 of 4 stars; one submission).

Submission:

Mayo Clinic Laboratories, Mayo Clinic
Classification: Likely pathogenic. Last evaluated: 2022-09-06. Review status: criteria provided, single submitter. Criteria: ACMG Guidelines, 2015. Collection method: clinical testing. Allele origin: germline. Observed: 1 variant allele.
Comment: PM2, PVS1